The following is an entry in ClinVar:

ClinVar aggregate classification (germline): Uncertain significance (1 of 4 stars; one submission).

Submission:

Athena Diagnostics
Classification: Uncertain significance. Last evaluated: 2025-07-30. Review status: criteria provided, single submitter. Criteria: Athena Diagnostics Criteria. Collection method: clinical testing. Allele origin: unknown.
Comment: Available data are insufficient to determine the clinical significance of the variant at this time. This variant has not been reported in large, multi-ethnic general populations. Computational tools yielded predictions that this variant is unlikely to have an effect on normal RNA splicing.

NM_000144.5(FXN):c.348G>A (p.Lys116=)

Gene: FXN (frataxin; plus strand). Cytogenetic location: 9q21.11.
Variant type: single nucleotide variant.
Coding change: c.348G>A on transcript NM_000144.5 (MANE Select); coding-DNA position 348, G replaced by A.
Protein change: p.Lys116=; no amino-acid change (lysine 116 retained).
Molecular consequence: synonymous variant.
Genome position (GRCh38, 1-based): chr9:69,053,224, G>A. VCF-style: chr9-69053224-G-A. GRCh37 (hg19) VCF-style: chr9-71668140-G-A.
Other names: c.348G>A, p.Lys116= (NM_181425.3).
Identifiers: ClinVar variation 4682326 (VCV004682326.1).